The following is an entry in ClinVar:

ClinVar aggregate classification (germline): Likely pathogenic. Review status: reviewed by expert panel (3 of 4 stars). 2 submissions from 2 submitters: Likely pathogenic (1). 1 of the submissions does not count toward it. Last evaluated 2026-10-05.

Conditions:
Hereditary thrombocytopenia and hematological cancer predisposition syndrome associated with RUNX1. Also called: PLATELET DISORDER, ASPIRIN-LIKE; Familial Platelet Disorder with Propensity to Acute Myelogenous Leukemia; Familial thrombocytopenia with propensity to acute myelogenous leukemia; RUNX1 Familial Platelet Disorder with Associated Myeloid Malignancies. Identifiers: Orphanet 71290, MedGen C1832388, MeSH C563324, MONDO:0100083, OMIM 601399.
Hereditary thrombocytopenia and hematologic cancer predisposition syndrome. Identifiers: Orphanet 71290, MedGen CN281654, MONDO:0011071.

Submissions (2):

ClinGen Myeloid Malignancy Variant Curation Expert Panel
Classification: Likely pathogenic for Hereditary thrombocytopenia and hematologic cancer predisposition syndrome. Last evaluated: 2026-10-05. Review status: reviewed by expert panel. Criteria: ClinGen MyeloMalig ACMG Specifications V3.1. Collection method: curation. Allele origin: germline. Inheritance: Autosomal dominant inheritance.
Comment: NM_001754.5(RUNX1):c.1203del (p.Ser402ProfsTer?) is a frameshift variant which is not predicted to undergo NMD (PVS1_Strong). This variant is downstream of c.98 (PM5_Supporting) and is completely absent from all population databases with at least 20x coverage for RUNX1 (PM2_Supporting). In summary, this variant meets criteria to be classified as likely pathogenic. ACMG/AMP criteria applied, as specified by the ClinGen Myeloid Malignancy Variant Curation Expert Panel for RUNX1: PVS1_Strong, PM5_Supporting, PM2_Supporting.

Labcorp Genetics (formerly Invitae), Labcorp
Classification: Pathogenic for Hereditary thrombocytopenia and hematological cancer predisposition syndrome associated with RUNX1. Last evaluated: 2023-06-30. Review status: criteria provided, single submitter. Criteria: Invitae Variant Classification Sherloc (09022015). Collection method: clinical testing. Allele origin: germline. Not counted in ClinVar's aggregate classification.
Comment: This variant disrupts a region of the RUNX1 protein in which other variant(s) (p.Tyr414*) have been determined to be pathogenic (PMID: 30600763). This suggests that this is a clinically significant region of the protein, and that variants that disrupt it are likely to be disease-causing. This sequence change results in a frameshift in the RUNX1 gene (p.Ser402Profs*192). While this is not anticipated to result in nonsense mediated decay, it is expected to disrupt the last 79 amino acid(s) of the RUNX1 protein and extend the protein by 112 additional amino acid residues. This variant is not present in population databases (gnomAD no frequency). This variant has not been reported in the literature in individuals affected with RUNX1-related conditions. For these reasons, this variant has been classified as Pathogenic.

Literature cited by the submitters: PubMed 30600763 (cited by Labcorp Genetics (formerly Invitae), Labcorp).

NM_001754.5(RUNX1):c.1203del (p.Ser402fs)

Gene: RUNX1 (RUNX family transcription factor 1; minus strand). Cytogenetic location: 21q22.12.
Variant type: Deletion.
Coding change: c.1203del on transcript NM_001754.5 (MANE Select); coding-DNA position 1203, one base deleted (C; older notation c.1203delC).
Protein change: p.Ser402fs; shifts the reading frame from serine 402.
Molecular consequence: frameshift variant.
Genome position (GRCh38, 1-based): chr21:34,792,375, G deleted on the plus strand (C on the coding strand, the reverse complement: RUNX1 is on the minus strand); the first of 3 consecutive G bases (chr21:34,792,375-34,792,377); deleting any one gives the same sequence. VCF-style (leftmost placement, unchanged base first): chr21-34792374-AG-A. GRCh37 (hg19) VCF-style: chr21-36164671-AG-A.
Other names: NM_001754.5(RUNX1):c.1203del; p.Ser402fs; c.1122del, p.Ser375fs (NM_001001890.3); short protein forms S402fs, S375fs.
Identifiers: ClinVar variation 2734274 (VCV002734274.5), dbSNP rs2516819502, ClinGen allele CA2697547490.